The following is an entry in ClinVar:

ClinVar aggregate classification (germline): Uncertain significance (1 of 4 stars; one submission).

Conditions:
Bardet-Biedl syndrome (BBS). Identifiers: Orphanet 110, MedGen C0752166, MONDO:0015229.

Submission:

Labcorp Genetics (formerly Invitae), Labcorp
Classification: Uncertain significance for Bardet-Biedl syndrome. Last evaluated: 2022-05-13. Review status: criteria provided, single submitter. Criteria: Invitae Variant Classification Sherloc (09022015). Collection method: clinical testing. Allele origin: germline.
Comment: In summary, the available evidence is currently insufficient to determine the role of this variant in disease. Therefore, it has been classified as a Variant of Uncertain Significance. Algorithms developed to predict the effect of missense changes on protein structure and function are either unavailable or do not agree on the potential impact of this missense change (SIFT: "Deleterious"; PolyPhen-2: "Probably Damaging"; Align-GVGD: "Class C0"). This variant has not been reported in the literature in individuals affected with BBS9-related conditions. This variant is not present in population databases (gnomAD no frequency). This sequence change replaces aspartic acid, which is acidic and polar, with glycine, which is neutral and non-polar, at codon 830 of the BBS9 protein (p.Asp830Gly).

NM_198428.3(BBS9):c.2489A>G (p.Asp830Gly)

Gene: BBS9 (Bardet-Biedl syndrome 9; plus strand). Cytogenetic location: 7p14.3.
Variant type: single nucleotide variant.
Coding change: c.2489A>G on transcript NM_198428.3 (MANE Select); coding-DNA position 2489, A replaced by G.
Protein change: p.Asp830Gly; replaces aspartic acid 830 with glycine.
Molecular consequence: missense variant. On other transcripts: non-coding transcript variant (3).
Genome position (GRCh38, 1-based): chr7:33,534,144, A>G. VCF-style: chr7-33534144-A-G. GRCh37 (hg19) VCF-style: chr7-33573756-A-G.
Other names: c.2384A>G, p.Asp795Gly (NM_001033604.2); c.2474A>G, p.Asp825Gly (NM_001033605.2); c.2489A>G, p.Asp830Gly (NM_001348036.1, NM_001348041.4, NM_001348043.3 and 3 more transcripts); c.1940A>G, p.Asp647Gly (NM_001348037.3); c.2216A>G, p.Asp739Gly (NM_001348038.3); c.2111A>G, p.Asp704Gly (NM_001348039.3); c.2369A>G, p.Asp790Gly (NM_001348040.3, NM_014451.4); c.2354A>G, p.Asp785Gly (NM_001348042.3); and 2 more; short protein forms D708G, D795G, D647G, D673G, D790G, D825G, D704G, D785G.
Identifiers: ClinVar variation 1932207 (VCV001932207.5), dbSNP rs2537672516, ClinGen allele CA367257090.
Genomic context (GRCh38, chr7:33,534,144, plus strand): 5'-AACATATCACCTTGCTCTGCGATAGATTATCCAAAGGTGGCCGTCTCTGCCTAAGTACCG[A>G]TGCAGCAGCCCCACAGACCATGGTCATGCCAGGTAAGAGCTCTGTCCATGCTCCCTAATC-3'
Protein context (NP_940820.1, residues 820-840): SKGGRLCLST[Asp830Gly]AAAPQTMVMP